The following is an entry in ClinVar:

NM_001211.6(BUB1B):c.2347G>A (p.Val783Met)

Gene: BUB1B (BUB1 mitotic checkpoint serine/threonine kinase B; plus strand). Cytogenetic location: 15q15.1.
Variant type: single nucleotide variant.
Coding change: c.2347G>A on transcript NM_001211.6 (MANE Select); coding-DNA position 2347, G replaced by A.
Protein change: p.Val783Met; replaces valine 783 with methionine.
Molecular consequence: missense variant.
Genome position (GRCh38, 1-based): chr15:40,210,172, G>A. VCF-style: chr15-40210172-G-A. GRCh37 (hg19) VCF-style: chr15-40502373-G-A.
Other names: short protein forms V783M.
Identifiers: ClinVar variation 1002191 (VCV001002191.13), dbSNP rs1338798216, ClinGen allele CA391694998.

ClinVar aggregate classification (germline): Uncertain significance. Review status: criteria provided, multiple submitters, no conflicts (2 of 4 stars). 2 submissions from 2 submitters: Uncertain significance (2). Last evaluated 2024-05-02.

Conditions:
Inborn genetic diseases. Identifiers: MedGen C0950123, MeSH D030342.
Mosaic variegated aneuploidy syndrome 1 (MVA1). Also called: Warburton-Anyane-Yeboa syndrome. Identifiers: Orphanet 1052, MedGen C1850343, MONDO:0009759, OMIM 257300.

Allele frequency attached by ClinVar (database versions not stated): gnomAD exomes below 0.00001.
gnomAD v4.1: 3 of 1,612,246 alleles (0.00019%); highest among the groups gnomAD compares: Non-Finnish European, 0.00025%; no homozygotes.

Submissions (2):

Ambry Genetics
Classification: Uncertain significance for Inborn genetic diseases. Last evaluated: 2024-05-02. Review status: criteria provided, single submitter. Criteria: Ambry Variant Classification Scheme 2023. Collection method: clinical testing. Allele origin: germline.
Comment: The p.V783M variant (also known as c.2347G>A), located in coding exon 18 of the BUB1B gene, results from a G to A substitution at nucleotide position 2347. The valine at codon 783 is replaced by methionine, an amino acid with highly similar properties. This amino acid position is conserved. In addition, this alteration is predicted to be tolerated by in silico analysis. Since supporting evidence is limited at this time, the clinical significance of this alteration remains unclear.

Labcorp Genetics (formerly Invitae), Labcorp
Classification: Uncertain significance for Mosaic variegated aneuploidy syndrome 1. Last evaluated: 2022-04-08. Review status: criteria provided, single submitter. Criteria: Invitae Variant Classification Sherloc (09022015). Collection method: clinical testing. Allele origin: germline.
Comment: In summary, the available evidence is currently insufficient to determine the role of this variant in disease. Therefore, it has been classified as a Variant of Uncertain Significance. Algorithms developed to predict the effect of missense changes on protein structure and function are either unavailable or do not agree on the potential impact of this missense change (SIFT: "Deleterious"; PolyPhen-2: "Benign"; Align-GVGD: "Class C0"). ClinVar contains an entry for this variant (Variation ID: 1002191). This variant has not been reported in the literature in individuals affected with BUB1B-related conditions. This variant is present in population databases (no rsID available, gnomAD 0.0009%). This sequence change replaces valine, which is neutral and non-polar, with methionine, which is neutral and non-polar, at codon 783 of the BUB1B protein (p.Val783Met).